The following is an entry in ClinVar:

NM_003106.4(SOX2):c.90_96dup (p.Asn33fs)

Genes: SOX2 (SRY-box transcription factor 2; plus strand), SOX2-OT (SOX2 overlapping transcript; plus strand), LOC108281177 (SOX2 5' regulatory region; plus strand). Cytogenetic location: 3q26.33.
Variant type: Microsatellite.
Coding change: c.90_96dup on transcript NM_003106.4 (MANE Select); coding-DNA positions 90 to 96, 7 bases duplicated (CGGCGGC; older notation c.90_96dupCGGCGGC).
Protein change: p.Asn33fs; shifts the reading frame from asparagine 33.
Molecular consequence: frameshift variant.
Genome position (GRCh38, 1-based): chr3:181,712,450-181,712,456, CGGCGGC duplicated; duplicating any 7 consecutive bases within chr3:181,712,443-181,712,456 gives the same sequence; the c. name uses the placement nearest the transcript's 3' end. VCF-style (leftmost placement, unchanged base first): chr3-181712442-G-GCGGCGGC. GRCh37 (hg19) VCF-style: chr3-181430230-G-GCGGCGGC.
Other names: c.90_96dupCGGCGGC (NM_003106.4); short protein forms N33fs.
Identifiers: ClinVar variation 4292745 (VCV004292745.2).

ClinVar aggregate classification (germline): Likely pathogenic. Review status: criteria provided, multiple submitters, no conflicts (2 of 4 stars). 2 submissions from 2 submitters: Likely pathogenic (2). Last evaluated 2025-12-01.

Conditions:
Anophthalmia/microphthalmia-esophageal atresia syndrome (MCOPS3). Also called: MICROPHTHALMIA AND ESOPHAGEAL ATRESIA SYNDROME; AEG SYNDROME; SOX2 Disorder. Identifiers: Orphanet 77298, MedGen C1859773, MONDO:0008799, OMIM 206900.

Submissions (2):

Pele Pequeno Principe Research Institute, Faculdades Pequeno Principe
Classification: Likely pathogenic for Anophthalmia/microphthalmia-esophageal atresia syndrome. Last evaluated: 2025-12-01. Review status: criteria provided, single submitter. Criteria: ACMG Guidelines, 2015. Collection method: research. Allele origin: germline. Inheritance: Autosomal dominant inheritance. Affected: yes. Observed: 1 heterozygote.
Comment: The SOX2:c.90_96dupCGGCGGC variant results in the duplication of nucleotides in an early portion of the SOX2 gene, causing a frameshift and leading to a premature stop codon, p.(Asn33fs). This alteration is predicted to result in the production of a truncated protein or degradation of the transcript via nonsense-mediated decay (NMD). Loss-of-function variants in SOX2 are a well-established mechanism of disease, and heterozygous truncating variants are a common cause of SOX2-related disorders, including anophthalmia and microphthalmia. According to the Genome Aggregation Database (gnomAD), this variant is absent from population datasets. (PMIDs: 20301477; 34562068).

3billion
Classification: Likely pathogenic for Anophthalmia/microphthalmia-esophageal atresia syndrome. Last evaluated: 2025-06-25. Review status: criteria provided, single submitter. Criteria: ACMG Guidelines, 2015. Collection method: clinical testing. Allele origin: germline. Affected: yes.
Comment: The variant is not observed in the gnomAD v4.1.0 dataset. Predicted Consequence/Location: Frameshift: predicted to result in a loss or disruption of normal protein function through protein truncation. Multiple pathogenic variants are reported in the predicted truncated region. The variant has been reported to be associated with SOX2-related disorder (3billion dataset). Therefore, this variant is classified as Likely pathogenic according to the recommendation of ACMG/AMP guideline.

Literature cited by the submitters: PubMed 20301477 (cited by Pele Pequeno Principe Research Institute, Faculdades Pequeno Principe); PubMed 34562068 (cited by Pele Pequeno Principe Research Institute, Faculdades Pequeno Principe).